The following is an entry in ClinVar:

NM_001130144.3(LTBP3):c.1312G>A (p.Ala438Thr)

Gene: LTBP3 (latent transforming growth factor beta binding protein 3; minus strand). Cytogenetic location: 11q13.1.
Variant type: single nucleotide variant.
Coding change: c.1312G>A on transcript NM_001130144.3 (MANE Select); coding-DNA position 1312, G replaced by A.
Protein change: p.Ala438Thr; replaces alanine 438 with threonine.
Molecular consequence: missense variant.
Genome position (GRCh38, 1-based): chr11:65,552,281, C>T on the plus strand (G>A on the coding strand, the complement: LTBP3 is on the minus strand). VCF-style: chr11-65552281-C-T. GRCh37 (hg19) VCF-style: chr11-65319752-C-T.
Other names: c.961G>A, p.Ala321Thr (NM_001164266.1); c.1312G>A, p.Ala438Thr (NM_021070.4); short protein forms A321T, A438T.
Identifiers: ClinVar variation 1406638 (VCV001406638.8), dbSNP rs368676768, ClinGen allele CA6101014.

ClinVar aggregate classification (germline): Uncertain significance. Review status: criteria provided, multiple submitters, no conflicts (2 of 4 stars). 2 submissions from 2 submitters: Uncertain significance (2). Last evaluated 2025-07-31.

Conditions:
Brachyolmia-amelogenesis imperfecta syndrome. Also called: Tooth agenesis, selective, 6; Dental anomalies and short stature; PLATYSPONDYLY WITH AMELOGENESIS IMPERFECTA. Identifiers: Orphanet 2899, MedGen C1832594, MONDO:0011018, OMIM 601216. Disease mechanism: loss of function.
Inborn genetic diseases. Identifiers: MedGen C0950123, MeSH D030342.

Allele frequency attached by ClinVar (database versions not stated): gnomAD 0.00004; gnomAD exomes 0.00005 and 0.00006; ExAC 0.00006; TOPMed 0.00006; ESP Exome Variant Server 0.00008.
gnomAD v4.1: 74 of 1,614,032 alleles (0.0046%); highest among the groups gnomAD compares: East Asian, 0.0089%; no homozygotes.

Submissions (2):

Labcorp Genetics (formerly Invitae), Labcorp
Classification: Uncertain significance for Brachyolmia-amelogenesis imperfecta syndrome. Last evaluated: 2025-07-31. Review status: criteria provided, single submitter. Criteria: Invitae Variant Classification Sherloc (09022015). Collection method: clinical testing. Allele origin: germline.
Comment: This sequence change replaces alanine, which is neutral and non-polar, with threonine, which is neutral and polar, at codon 438 of the LTBP3 protein (p.Ala438Thr). This variant is present in population databases (rs368676768, gnomAD 0.01%). This variant has not been reported in the literature in individuals affected with LTBP3-related conditions. ClinVar contains an entry for this variant (Variation ID: 1406638). An algorithm developed to predict the effect of missense changes on protein structure and function outputs the following: PolyPhen-2: "Benign". The threonine amino acid residue is found in multiple mammalian species, which suggests that this missense change does not adversely affect protein function. In summary, the available evidence is currently insufficient to determine the role of this variant in disease. Therefore, it has been classified as a Variant of Uncertain Significance.

Ambry Genetics
Classification: Uncertain significance for Inborn genetic diseases. Last evaluated: 2024-02-05. Review status: criteria provided, single submitter. Criteria: Ambry Variant Classification Scheme 2023. Collection method: clinical testing. Allele origin: germline.